The following is an entry in ClinVar:

NM_000212.3(ITGB3):c.940-2A>G

Gene: ITGB3 (integrin subunit beta 3; plus strand). Cytogenetic location: 17q21.32.
Variant type: single nucleotide variant.
Coding change: c.940-2A>G on transcript NM_000212.3 (MANE Select); the canonical splice acceptor site of the intron before coding-DNA position 940, A replaced by G.
Molecular consequence: splice acceptor variant.
Genome position (GRCh38, 1-based): chr17:47,289,679, A>G. VCF-style: chr17-47289679-A-G. GRCh37 (hg19) VCF-style: chr17-45367045-A-G.
Identifiers: ClinVar variation 996190 (VCV000996190.3), dbSNP rs2065117719, ClinGen allele CA400025605.
Genomic context (GRCh38, chr17:47,289,679, plus strand): 5'-AGCTTTAGACCCTAGAGATGTACATGAGACGTCATTAACCTCTACATCCTTCATTTTCCT[A>G]GGATTATCCCTCTTTGGGGCTGATGACTGAGAAGCTATCCCAGAAAAACATCAATTTGAT-3'

ClinVar aggregate classification (germline): Likely pathogenic (3 of 4 stars; one submission).

Conditions:
Glanzmann thrombasthenia. Also called: Glanzmann's thrombasthenia; PLATELET GLYCOPROTEIN IIb-IIIa DEFICIENCY; BLEEDING DISORDER, PLATELET-TYPE, 2; THROMBASTHENIA OF GLANZMANN AND NAEGELI; Thrombasthenia. Identifiers: Orphanet 849, MedGen C0040015, MONDO:0100326.

Submission:

ClinGen Platelet Disorders Variant Curation Expert Panel, ClinGen
Classification: Likely pathogenic for Glanzmann thrombasthenia. Last evaluated: 2024-03-07. Review status: reviewed by expert panel. Criteria: ClinGen Platelet ACMG Specifications v2-1. Collection method: curation. Allele origin: germline. Inheritance: Autosomal recessive inheritance.
Comment: The NM_000212.3(ITGB3):c.940-2A>G splice variant is predicted to cause skipping of exon 7, preserving the reading frame and removing <10% of the protein (PVS1_Moderate). It has been reported in at least one compound heterozygous proband (PMID: 25728920) with a second splice site variant c.79+1G>A (classified Pathogenic by the PD-EP; PM3_supporting). GT38 of PMID: 25728920 meets the criteria for PP4_Strong; including mucocutaneous bleeding, impaired aggregation with all agonists except ristocetin, and reduced surface expression of aIIbß3 measured by flow cytometry. ITGA2B and ITGB3 were sequenced across all exons and intron/exon boundaries. This variant is absent from all population cohorts in gnomADv4.0 (PM2_supporting) In summary, this variant meets criteria to be classified as Likely Pathogenic for GT. GT-specific criteria applied: PVS1_Moderate, PM2_Supporting, PM3_Supporting, and PP4_Strong.